The following is an entry in ClinVar:

NM_005529.7(HSPG2):c.3843C>T (p.Gly1281=)

Gene: HSPG2 (heparan sulfate proteoglycan 2; minus strand). Cytogenetic location: 1p36.12.
Variant type: single nucleotide variant.
Coding change: c.3843C>T on transcript NM_005529.7 (MANE Select); coding-DNA position 3843, C replaced by T.
Protein change: p.Gly1281=; no amino-acid change (glycine 1281 retained).
Molecular consequence: synonymous variant.
Genome position (GRCh38, 1-based): chr1:21,873,042, G>A on the plus strand (C>T on the coding strand, the complement: HSPG2 is on the minus strand). VCF-style: chr1-21873042-G-A. GRCh37 (hg19) VCF-style: chr1-22199535-G-A.
Other names: c.3846C>T, p.Gly1282= (NM_001291860.2).
Identifiers: ClinVar variation 2638462 (VCV002638462.24), dbSNP rs1217082406, ClinGen allele CA416680793.

ClinVar aggregate classification (germline): Likely benign (1 of 4 stars; one submission).

Allele frequency attached by ClinVar (database versions not stated): TOPMed below 0.00001; gnomAD 0.00001; gnomAD exomes 0.00001.
gnomAD v4.1: 16 of 1,605,778 alleles (0.001%); highest among the groups gnomAD compares: African/African-American, 0.012%; no homozygotes.

Submission:

CeGaT Center for Human Genetics Tuebingen
Classification: Likely benign. Last evaluated: 2024-09-01. Review status: criteria provided, single submitter. Criteria: CeGaT Center For Human Genetics Tuebingen Variant Classification Criteria Version 2. Collection method: clinical testing. Allele origin: germline. Affected: yes. Observed: 2 variant alleles.
Comment: HSPG2: BP4, BP7